The following is an entry in ClinVar:

NM_002519.3(NPAT):c.2761G>C (p.Ala921Pro)

Gene: NPAT (nuclear protein, coactivator of histone transcription; minus strand). Cytogenetic location: 11q22.3.
Variant type: single nucleotide variant.
Coding change: c.2761G>C on transcript NM_002519.3 (MANE Select); coding-DNA position 2761, G replaced by C.
Protein change: p.Ala921Pro; replaces alanine 921 with proline.
Molecular consequence: missense variant.
Genome position (GRCh38, 1-based): chr11:108,172,223, C>G on the plus strand (G>C on the coding strand, the complement: NPAT is on the minus strand). VCF-style: chr11-108172223-C-G. GRCh37 (hg19) VCF-style: chr11-108042950-C-G.
Other names: c.2761G>C, p.Ala921Pro (NM_001321307.1); short protein forms A921P.
Identifiers: ClinVar variation 3620447 (VCV003620447.2).

ClinVar aggregate classification (germline): Uncertain significance (1 of 4 stars; one submission).

Submission:

Labcorp Genetics (formerly Invitae), Labcorp
Classification: Uncertain significance. Last evaluated: 2025-12-26. Review status: criteria provided, single submitter. Criteria: Invitae Variant Classification Sherloc (09022015). Collection method: clinical testing. Allele origin: germline.
Comment: This sequence change replaces alanine, which is neutral and non-polar, with proline, which is neutral and non-polar, at codon 921 of the NPAT protein (p.Ala921Pro). This variant is not present in population databases (gnomAD no frequency). This variant has not been reported in the literature in individuals affected with NPAT-related conditions. ClinVar contains an entry for this variant (Variation ID: 3620447). An algorithm developed to predict the effect of missense changes on protein structure and function (PolyPhen-2) suggests that this variant is likely to be disruptive. In summary, the available evidence is currently insufficient to determine the role of this variant in disease. Therefore, it has been classified as a Variant of Uncertain Significance.